The following is an entry in ClinVar:

NM_000116.5(TAFAZZIN):c.212C>T (p.Ser71Phe)

Gene: TAFAZZIN (tafazzin, phospholipid-lysophospholipid transacylase; plus strand). Cytogenetic location: Xq28.
Variant type: single nucleotide variant.
Coding change: c.212C>T on transcript NM_000116.5 (MANE Select); coding-DNA position 212, C replaced by T.
Protein change: p.Ser71Phe; replaces serine 71 with phenylalanine.
Molecular consequence: missense variant. On other transcripts: non-coding transcript variant (1).
Genome position (GRCh38, 1-based): chrX:154,412,188, C>T. VCF-style: chrX-154412188-C-T. GRCh37 (hg19) VCF-style: chrX-153640525-C-T.
Other names: c.266C>T, p.Ser89Phe (NM_001303465.2); c.212C>T, p.Ser71Phe (NM_181311.4, NM_181312.4, NM_181313.4); short protein forms S71F, S89F.
Identifiers: ClinVar variation 1028075 (VCV001028075.1), dbSNP rs2068330347, ClinGen allele CA415180048.

ClinVar aggregate classification (germline): Uncertain significance (1 of 4 stars; one submission).

Conditions:
3-Methylglutaconic aciduria type 2 (BTHS). Also called: Barth syndrome; CARDIOSKELETAL MYOPATHY WITH NEUTROPENIA AND ABNORMAL MITOCHONDRIA. Identifiers: Orphanet 111, MedGen C0574083, MONDO:0010543, OMIM 302060.

Submission:

Baylor Genetics
Classification: Uncertain significance for 3-Methylglutaconic aciduria type 2. Last evaluated: 2020-12-05. Review status: criteria provided, single submitter. Criteria: ACMG Guidelines, 2015. Collection method: clinical testing. Allele origin: unknown. Affected: yes.
Comment: This variant was determined to be of uncertain significance according to ACMG Guidelines, 2015 [PMID:25741868].